The following is an entry in ClinVar:

NM_002227.4(JAK1):c.1086G>C (p.Glu362Asp)

Gene: JAK1 (Janus kinase 1; minus strand). Cytogenetic location: 1p31.3.
Variant type: single nucleotide variant.
Coding change: c.1086G>C on transcript NM_002227.4 (MANE Select); coding-DNA position 1086, G replaced by C.
Protein change: p.Glu362Asp; replaces glutamic acid 362 with aspartic acid.
Molecular consequence: missense variant.
Genome position (GRCh38, 1-based): chr1:64,864,877, C>G on the plus strand (G>C on the coding strand, the complement: JAK1 is on the minus strand). VCF-style: chr1-64864877-C-G. GRCh37 (hg19) VCF-style: chr1-65330560-C-G.
Other names: c.1086G>C, p.Glu362Asp (NM_001320923.2, NM_001321852.2, NM_001321853.2 and 4 more transcripts); short protein forms E362D.
Identifiers: ClinVar variation 3716929 (VCV003716929.2).

ClinVar aggregate classification (germline): Uncertain significance (1 of 4 stars; one submission).

gnomAD v4.1: 9 of 1,613,690 alleles (0.00056%); highest among the groups gnomAD compares: African/African-American, 0.011%; no homozygotes.

Submission:

Labcorp Genetics (formerly Invitae), Labcorp
Classification: Uncertain significance. Last evaluated: 2024-09-17. Review status: criteria provided, single submitter. Criteria: Invitae Variant Classification Sherloc (09022015). Collection method: clinical testing. Allele origin: germline.
Comment: This sequence change replaces glutamic acid, which is acidic and polar, with aspartic acid, which is acidic and polar, at codon 362 of the JAK1 protein (p.Glu362Asp). This variant is present in population databases (rs572559595, gnomAD 0.02%). This variant has not been reported in the literature in individuals affected with JAK1-related conditions. An algorithm developed to predict the effect of missense changes on protein structure and function outputs the following: PolyPhen-2: "Benign". The aspartic acid amino acid residue is found in multiple mammalian species, which suggests that this missense change does not adversely affect protein function. In summary, the available evidence is currently insufficient to determine the role of this variant in disease. Therefore, it has been classified as a Variant of Uncertain Significance.